The following is an entry in ClinVar:

ClinVar aggregate classification (germline): Uncertain significance (1 of 4 stars; one submission).

Conditions:
Hereditary cancer-predisposing syndrome. Also called: Neoplastic Syndromes, Hereditary; Tumor predisposition; Hereditary neoplastic syndrome; Hereditary Cancer Syndrome. Identifiers: Orphanet 140162, MedGen C0027672, MeSH D009386, MONDO:0015356.

Submission:

Ambry Genetics
Classification: Uncertain significance for Hereditary cancer-predisposing syndrome. Last evaluated: 2026-07-07. Review status: criteria provided, single submitter. Criteria: Ambry Variant Classification Scheme 2023. Collection method: clinical testing. Allele origin: germline.
Comment: The p.Y148N variant (also known as c.442T>A), located in coding exon 3 of the TMEM127 gene, results from a T to A substitution at nucleotide position 442. The tyrosine at codon 148 is replaced by asparagine, an amino acid with dissimilar properties. This amino acid position is conserved. In addition, this alteration is predicted to be deleterious by in silico analysis. Based on the available evidence, the clinical significance of this variant remains unclear.

NM_017849.4(TMEM127):c.442T>A (p.Tyr148Asn)

Gene: TMEM127 (transmembrane protein 127; minus strand). Cytogenetic location: 2q11.2.
Variant type: single nucleotide variant.
Coding change: c.442T>A on transcript NM_017849.4 (MANE Select); coding-DNA position 442, T replaced by A.
Protein change: p.Tyr148Asn; replaces tyrosine 148 with asparagine.
Molecular consequence: missense variant.
Genome position (GRCh38, 1-based): chr2:96,254,083, A>T on the plus strand (T>A on the coding strand, the complement: TMEM127 is on the minus strand). VCF-style: chr2-96254083-A-T. GRCh37 (hg19) VCF-style: chr2-96919821-A-T.
Other names: c.442T>A, p.Tyr148Asn (NM_001193304.3); c.190T>A, p.Tyr64Asn (NM_001407282.1, NM_001407283.1); short protein forms Y148N, Y64N.
Identifiers: ClinVar variation 5030931 (VCV005030931.1).